The following is an entry in ClinVar:

ClinVar aggregate classification (germline): Likely pathogenic (1 of 4 stars; one submission).

Conditions:
Rotor syndrome (HBLRR). Also called: HYPERBILIRUBINEMIA, ROTOR TYPE, DIGENIC; HYPERBILIRUBINEMIA, ROTOR TYPE. Identifiers: Orphanet 3111, MedGen C0220991, MONDO:0009379, OMIM 237450.

Submission:

ARUP Laboratories, Molecular Genetics and Genomics, ARUP Laboratories
Classification: Likely pathogenic for Rotor syndrome. Last evaluated: 2025-02-25. Review status: criteria provided, single submitter. Criteria: ARUP Molecular Germline Variant Investigation Process 2024. Collection method: clinical testing. Allele origin: germline.
Comment: The SLCO1B1 c.1009_1010dup; p.Tyr338CysfsTer8 variant (rs763902580), to our knowledge, is not reported in the medical literature or gene specific databases. This variant is only observed on two alleles in the Genome Aggregation Database (v2.1.1), indicating it is not a common polymorphism. This variant causes a frameshift by inserting 2 nucleotides, so it is predicted to result in a truncated protein or mRNA subject to nonsense-mediated decay. Based on available information, this variant is considered to be likely pathogenic.

NM_006446.5(SLCO1B1):c.1009_1010dup (p.Tyr338fs)

Gene: SLCO1B1 (solute carrier organic anion transporter family member 1B1; plus strand). Cytogenetic location: 12p12.1.
Variant type: Duplication.
Coding change: c.1009_1010dup on transcript NM_006446.5 (MANE Select); coding-DNA positions 1009 to 1010, 2 bases duplicated (CT; older notation c.1009_1010dupCT).
Protein change: p.Tyr338fs; shifts the reading frame from tyrosine 338.
Molecular consequence: frameshift variant.
Genome position (GRCh38, 1-based): chr12:21,200,546-21,200,547, CT duplicated. VCF-style (leftmost placement, unchanged base first): chr12-21200545-C-CCT. GRCh37 (hg19) VCF-style: chr12-21353479-C-CCT.
Other names: short protein forms Y338fs.
Identifiers: ClinVar variation 4685640 (VCV004685640.1).